The following is an entry in ClinVar:

ClinVar aggregate classification (germline): Likely benign. Review status: criteria provided, single submitter (1 of 4 stars). 2 submissions from 2 submitters: Likely benign (1). 1 of the submissions does not count toward it. Last evaluated 2024-09-20.

Conditions:
CDKL5 disorder. Identifiers: MedGen CN296942, MONDO:0100039.

Submissions (2):

Centre for Population Genomics, CPG
Classification: Likely benign for CDKL5 disorder. Last evaluated: 2024-09-20. Review status: criteria provided, single submitter. Criteria: McKnight et al. (Hum Mutat. 2022). Collection method: curation. Allele origin: germline. Inheritance: X-linked inheritance.
Comment: This variant has been collected from RettBASE and curated to current modified ACMG/AMP criteria. Based on the classification scheme defined by the ClinGen Rett/Angelman-like Expert Panel for Rett/AS-like Disorders Specifications to the ACMG/AMP Variant Interpretation Guidelines VCEP 3.0, this variant is classified as likely benign. At least the following criteria are met: Synonymous or intronic variant outside donor and acceptor splice regions where splicing prediction algorithms do not support significant splicing alteration (spliceAI score <=0.1) (BP4, BP7). The variant is observed in at least 1 individual with no features of CDKL5 disorder (BS2_Supporting, PMID: 19241098).

RettBASE
Classification: Benign. Last evaluated: 2014-05-09. Review status: no assertion criteria provided. Collection method: curation. Allele origin: maternal, unknown. Observed: 2 variant alleles. Not counted in ClinVar's aggregate classification.

Literature cited by the submitters: PubMed 19241098 (cited by RettBASE).

NM_001323289.2(CDKL5):c.404-53T>C

Gene: CDKL5 (cyclin dependent kinase like 5; plus strand). Cytogenetic location: Xp22.13.
Variant type: single nucleotide variant.
Coding change: c.404-53T>C on transcript NM_001323289.2 (MANE Select); 53 bases into the intron before coding-DNA position 404, T replaced by C.
Molecular consequence: intron variant.
Genome position (GRCh38, 1-based): chrX:18,581,838, T>C. VCF-style: chrX-18581838-T-C. GRCh37 (hg19) VCF-style: chrX-18599958-T-C.
Other names: c.404-53T>C (NM_003159.3, NM_001037343.2).
Identifiers: ClinVar variation 189537 (VCV000189537.2), dbSNP rs786204956, ClinGen allele CA199346.